The following is an entry in ClinVar:

NM_004104.5(FASN):c.2704G>A (p.Ala902Thr)

Gene: FASN (fatty acid synthase; minus strand). Cytogenetic location: 17q25.3.
Variant type: single nucleotide variant.
Coding change: c.2704G>A on transcript NM_004104.5 (MANE Select); coding-DNA position 2704, G replaced by A.
Protein change: p.Ala902Thr; replaces alanine 902 with threonine.
Molecular consequence: missense variant.
Genome position (GRCh38, 1-based): chr17:82,088,197, C>T on the plus strand (G>A on the coding strand, the complement: FASN is on the minus strand). VCF-style: chr17-82088197-C-T. GRCh37 (hg19) VCF-style: chr17-80046073-C-T.
Other names: short protein forms A902T.
Identifiers: ClinVar variation 530959 (VCV000530959.8), dbSNP rs376556250, ClinGen allele CA8852678.

ClinVar aggregate classification (germline): Uncertain significance (1 of 4 stars; one submission).

Conditions:
Epileptic encephalopathy. Identifiers: MedGen C0543888, HP:0200134.

Allele frequency attached by ClinVar (database versions not stated): TOPMed 0.00001; gnomAD exomes 0.00002 and 0.00001; ExAC 0.00003; ESP Exome Variant Server 0.00008; gnomAD 0.00001.
gnomAD v4.1: 14 of 1,612,084 alleles (0.00087%); highest among the groups gnomAD compares: South Asian, 0.0055%; no homozygotes.

Submission:

Labcorp Genetics (formerly Invitae), Labcorp
Classification: Uncertain significance for Epileptic encephalopathy. Last evaluated: 2025-08-06. Review status: criteria provided, single submitter. Criteria: Invitae Variant Classification Sherloc (09022015). Collection method: clinical testing. Allele origin: germline.
Comment: This sequence change replaces alanine, which is neutral and non-polar, with threonine, which is neutral and polar, at codon 902 of the FASN protein (p.Ala902Thr). This variant is present in population databases (rs376556250, gnomAD 0.01%). This variant has not been reported in the literature in individuals affected with FASN-related conditions. ClinVar contains an entry for this variant (Variation ID: 530959). An algorithm developed to predict the effect of missense changes on protein structure and function outputs the following: PolyPhen-2: "Benign". The threonine amino acid residue is found in multiple mammalian species, which suggests that this missense change does not adversely affect protein function. In summary, the available evidence is currently insufficient to determine the role of this variant in disease. Therefore, it has been classified as a Variant of Uncertain Significance.